The following continues an entry in ClinVar:

NM_002016.2(FLG):c.9740C>A (p.Ser3247Ter)

ClinVar aggregate classification (germline): Pathogenic/Likely pathogenic. Pathogenic (10); Likely pathogenic (7).

Submissions 14 to 20 of 20:

Illumina Laboratory Services, Illumina
Classification: Likely pathogenic for FLG-related disorders. Last evaluated: 2021-04-05. Review status: criteria provided, single submitter. Criteria: ICSLVariantClassificationCriteria RUGD 01 April 2020. Collection method: clinical testing. Allele origin: unknown.
Comment: The FLG c.9740C>A (p.Ser3247Ter) variant is a stop-gained variant that is predicted to result in a premature termination of the protein. Across a selection of available literature, the p.Ser3247Ter variant has been identified in at least 45 individuals in a heterozygous state and in at least three individuals in a compound heterozygous state. These individuals presented with atopic dermatitis, contact dermatitis (chronic irritant or allergic), or ichthyosis vulgaris (Sandilands et al. 2007; Oji et al. 2009; Greisenegger et al. 2010; Margolis et al. 2012; Mohiuddin et al. 2013; Visser et al. 2013; Sitek et al. 2018). At least one individual with the variant in a compound heterozygous state was shown to have a more severe presentation compared to when the variant was present in a heterozygous state (Oji et al. 2009). Odds ratio for association with FLG-related skin conditions ranged from 1.66 to 7.05, with statistical significance varying across studies. The case-control studies generally showed a higher frequency of the variant in cases when compared to controls (Sandilands et al. 2007; Greisenegger et al. 2010; Visser et al. 2013; Margolis et al. 2019; Wright et al. 2019). It is suggested that the p.Ser3247Ter variant has reduced penetrance compared to other common pathogenic variants in FLG (Sandilands et al. 2007). In addition, follow-up of children enrolled in the Pediatric Eczema Elective Registry showed that affected individuals had faster recovery of the skin condition after treatment with topical medication compared to those carrying other pathogenic FLG variants (Margolis et al. 2012). The p.Ser3247Ter variant was identified in 25 of 4296 control individuals in a heterozygous state (Sandilands et al. 2007; Weidinger et al. 2008; Oji et al. 2009; Greisenegger et al. 2010; Visser et al. 2013; Rupnik et al. 2015), and is reported at a frequency of 0.002819 in the European (non-Finnish) population of the Genome Aggregation Database (version 2.1.1). This allele frequency is high among presumed unaffected individuals, but is consistent with the disease prevalence and penetrance estimates. Oji et al. (2009) evaluated the structure, histology, and antigen mapping using immunofluorescence of skin samples from an individual with ichthyosis vulgaris with the variant in heterozygous state. Filaggrin antigen was reduced and the stratum granulosum was reduced, but focally normal. Based on the collective evidence, the p.Ser3247Ter variant is classified as likely pathogenic for FLG-related disorders.

Laboratorio de Genetica e Diagnostico Molecular, Hospital Israelita Albert Einstein
Classification: Likely pathogenic. Last evaluated: 2020-11-13. Review status: criteria provided, single submitter. Criteria: ACMG Guidelines, 2015. Collection method: clinical testing. Allele origin: germline. Affected: yes.
Comment: ACMG classification criteria: PVS1, PS4

Johns Hopkins Genomics, Johns Hopkins University
Classification: Likely pathogenic for Dermatitis, atopic, 2. Last evaluated: 2020-10-16. Review status: criteria provided, single submitter. Criteria: ACMG Guidelines, 2015. Collection method: clinical testing. Allele origin: germline.
Comment: This FLG variant (rs150597413) is present in a large population dataset (gnomAD: 417/282786 total alleles; 0.15%; no homozygotes) and has an entry in ClinVar. It is considered one of the more common disease-associated variants in individuals with European ancestry7. This nonsense variant in FLG is predicted to lead to a premature stop codon (PTC) in the last exon of the gene, likely escaping nonsense-mediated decay and resulting in a truncated protein product. Although the exact function of the C-terminal segment after this PTC is unclear, there are reports of disease-associated nonsense variants located downstream of c.9740C>A. Not everyone with a disease-associated variant will develop this disorder, consistent with an increased frequency of this variant in controls from the European population (0.28%). We consider c.9740C>A to be likely pathogenic.

Mendelics
Classification: Likely pathogenic for Ichthyosis vulgaris. Last evaluated: 2019-05-28. Review status: criteria provided, single submitter. Criteria: Mendelics Assertion Criteria 2017. Collection method: clinical testing. Allele origin: unknown.

Clinical Genetics DNA and cytogenetics Diagnostics Lab, Erasmus MC, Erasmus Medical Center
Classification: Pathogenic. Review status: no assertion criteria provided. Collection method: clinical testing. Allele origin: germline. Affected: yes. Study: VKGL Data-share Consensus. Not counted in ClinVar's aggregate classification.

Genome Diagnostics Laboratory, Amsterdam University Medical Center
Classification: Pathogenic. Review status: no assertion criteria provided. Collection method: clinical testing. Allele origin: germline. Affected: yes. Study: VKGL Data-share Consensus. Not counted in ClinVar's aggregate classification.

Joint Genome Diagnostic Labs from Nijmegen and Maastricht, Radboudumc and MUMC+
Classification: Pathogenic. Review status: no assertion criteria provided. Collection method: clinical testing. Allele origin: germline. Affected: yes. Study: VKGL Data-share Consensus. Not counted in ClinVar's aggregate classification.

Literature cited by the submitters: PubMed 29444371 (cited by 3 submitters); PubMed 19874431 (cited by 3 submitters); PubMed 21377035 (cited by Variantyx, Inc.); PubMed 17502856 (cited by Women's Health and Genetics/Laboratory Corporation of America, LabCorp and Pittsburgh Clinical Genomics Laboratory, University of Pittsburgh Medical Center); PubMed 22071473 (cited by Pittsburgh Clinical Genomics Laboratory, University of Pittsburgh Medical Center); PubMed 18396323 (cited by Pittsburgh Clinical Genomics Laboratory, University of Pittsburgh Medical Center and Illumina Laboratory Services, Illumina); PubMed 17417636 (cited by 3 submitters); PubMed 19785597 (cited by Pittsburgh Clinical Genomics Laboratory, University of Pittsburgh Medical Center); PubMed 19183181 (cited by Pittsburgh Clinical Genomics Laboratory, University of Pittsburgh Medical Center and Illumina Laboratory Services, Illumina); PubMed 20109745 (cited by Pittsburgh Clinical Genomics Laboratory, University of Pittsburgh Medical Center); PubMed 30665703 (cited by Pittsburgh Clinical Genomics Laboratory, University of Pittsburgh Medical Center and Illumina Laboratory Services, Illumina); PubMed 31365035 (cited by Pittsburgh Clinical Genomics Laboratory, University of Pittsburgh Medical Center and Illumina Laboratory Services, Illumina); PubMed 22951058 (cited by Illumina Laboratory Services, Illumina); PubMed 23039796 (cited by Illumina Laboratory Services, Illumina); PubMed 24565632 (cited by Illumina Laboratory Services, Illumina); PubMed 25314673 (cited by Illumina Laboratory Services, Illumina); PubMed 20674819 (cited by Johns Hopkins Genomics, Johns Hopkins University).